The following is an entry in ClinVar:

NM_001283009.2(RTEL1):c.3382T>C (p.Phe1128Leu)

Genes: RTEL1 (regulator of telomere elongation helicase 1; plus strand), RTEL1-TNFRSF6B (RTEL1-TNFRSF6B readthrough (NMD candidate); plus strand). Cytogenetic location: 20q13.33.
Variant type: single nucleotide variant.
Coding change: c.3382T>C on transcript NM_001283009.2 (MANE Select); coding-DNA position 3382, T replaced by C.
Protein change: p.Phe1128Leu; replaces phenylalanine 1128 with leucine.
Molecular consequence: missense variant. On other transcripts: non-coding transcript variant (1).
Genome position (GRCh38, 1-based): chr20:63,695,104, T>C. VCF-style: chr20-63695104-T-C. GRCh37 (hg19) VCF-style: chr20-62326457-T-C.
Other names: c.2713T>C, p.Phe905Leu (NM_001283010.1); c.3382T>C, p.Phe1128Leu (NM_016434.4); c.3454T>C, p.Phe1152Leu (NM_032957.5); short protein forms F1128L, F1152L, F905L.
Identifiers: ClinVar variation 1002027 (VCV001002027.13), dbSNP rs2090941270, ClinGen allele CA409685320.

ClinVar aggregate classification (germline): Uncertain significance (1 of 4 stars; one submission).

Conditions:
Pulmonary fibrosis and/or bone marrow failure, Telomere-related, 3. Also called: PULMONARY FIBROSIS AND/OR BONE MARROW FAILURE SYNDROME, TELOMERE-RELATED, 3. Identifiers: Orphanet 2032, MedGen C4225346, MONDO:0014613, OMIM 616373.
Dyskeratosis congenita, autosomal recessive 5 (DKCB5). Identifiers: MedGen C3554656, MONDO:0014076, OMIM 615190.

Submission:

Labcorp Genetics (formerly Invitae), Labcorp
Classification: Uncertain significance for Dyskeratosis congenita, autosomal recessive 5; Pulmonary fibrosis and/or bone marrow failure, Telomere-related, 3. Last evaluated: 2020-02-06. Review status: criteria provided, single submitter. Criteria: Invitae Variant Classification Sherloc (09022015). Collection method: clinical testing. Allele origin: germline.
Comment: In summary, the available evidence is currently insufficient to determine the role of this variant in disease. Therefore, it has been classified as a Variant of Uncertain Significance. Algorithms developed to predict the effect of missense changes on protein structure and function are either unavailable or do not agree on the potential impact of this missense change (SIFT: "Deleterious"; PolyPhen-2: "Probably Damaging"; Align-GVGD: "Class C0"). This variant has not been reported in the literature in individuals with RTEL1-related conditions. This variant is not present in population databases (ExAC no frequency). This sequence change replaces phenylalanine with leucine at codon 1128 of the RTEL1 protein (p.Phe1128Leu). The phenylalanine residue is highly conserved and there is a small physicochemical difference between phenylalanine and leucine.